The following is an entry in ClinVar:

NM_000760.4(CSF3R):c.2231C>T (p.Ser744Phe)

Gene: CSF3R (colony stimulating factor 3 receptor; minus strand). Cytogenetic location: 1p34.3.
Variant type: single nucleotide variant.
Coding change: c.2231C>T on transcript NM_000760.4 (MANE Select); coding-DNA position 2231, C replaced by T.
Protein change: p.Ser744Phe; replaces serine 744 with phenylalanine.
Molecular consequence: missense variant.
Genome position (GRCh38, 1-based): chr1:36,466,637, G>A on the plus strand (C>T on the coding strand, the complement: CSF3R is on the minus strand). VCF-style: chr1-36466637-G-A. GRCh37 (hg19) VCF-style: chr1-36932238-G-A.
Other names: c.2312C>T, p.Ser771Phe (NM_156039.3); c.2231C>T, p.Ser744Phe (NM_172313.3); short protein forms S744F, S771F.
Identifiers: ClinVar variation 936367 (VCV000936367.9), dbSNP rs1296151274, ClinGen allele CA339413562.
Genomic context (GRCh38, chr1:36,466,637, plus strand): 5'-GGCCCTGGGCTTGTGGGGCTGCCCAGCAGCTGCCCATAAAGGACCTGATCGCTGGTGCCA[G>A]ACTGGGATTGGGGCTGGGTGGAAACTGCTCTTGGGTCCCCCTGGAGCACATAGGTCTGGA-3'
Protein context (NP_000751.1, residues 734-754): RAVSTQPQSQ[Ser744Phe]GTSDQVLYGQ

ClinVar aggregate classification (germline): Uncertain significance (1 of 4 stars; one submission).

Conditions:
Autosomal recessive severe congenital neutropenia due to CSF3R deficiency. Also called: Neutropenia, severe congenital, 7, autosomal recessive. Identifiers: Orphanet 420702, MedGen C4310764, MONDO:0014865, OMIM 617014.

Allele frequency attached by ClinVar (database versions not stated): gnomAD exomes below 0.00001; TOPMed 0.00001.
gnomAD v4.1: 3 of 1,614,156 alleles (0.00019%); highest among the groups gnomAD compares: Non-Finnish European, 0.00025%; no homozygotes.

Submission:

Labcorp Genetics (formerly Invitae), Labcorp
Classification: Uncertain significance for Autosomal recessive severe congenital neutropenia due to CSF3R deficiency. Last evaluated: 2024-12-06. Review status: criteria provided, single submitter. Criteria: Invitae Variant Classification Sherloc (09022015). Collection method: clinical testing. Allele origin: germline.
Comment: This sequence change replaces serine, which is neutral and polar, with phenylalanine, which is neutral and non-polar, at codon 744 of the CSF3R protein (p.Ser744Phe). This variant is not present in population databases (gnomAD no frequency). This variant has not been reported in the literature in individuals affected with CSF3R-related conditions. ClinVar contains an entry for this variant (Variation ID: 936367). Invitae Evidence Modeling of protein sequence and biophysical properties (such as structural, functional, and spatial information, amino acid conservation, physicochemical variation, residue mobility, and thermodynamic stability) indicates that this missense variant is not expected to disrupt CSF3R protein function with a negative predictive value of 80%. In summary, the available evidence is currently insufficient to determine the role of this variant in disease. Therefore, it has been classified as a Variant of Uncertain Significance.